The following is an entry in ClinVar:

NM_000168.6(GLI3):c.1204C>G (p.Pro402Ala)

Gene: GLI3 (GLI family zinc finger 3; minus strand). Cytogenetic location: 7p14.1.
Variant type: single nucleotide variant.
Coding change: c.1204C>G on transcript NM_000168.6 (MANE Select); coding-DNA position 1204, C replaced by G.
Protein change: p.Pro402Ala; replaces proline 402 with alanine.
Molecular consequence: missense variant.
Genome position (GRCh38, 1-based): chr7:42,026,237, G>C on the plus strand (C>G on the coding strand, the complement: GLI3 is on the minus strand). VCF-style: chr7-42026237-G-C. GRCh37 (hg19) VCF-style: chr7-42065836-G-C.
Other names: short protein forms P402A.
Identifiers: ClinVar variation 2143517 (VCV002143517.4), dbSNP rs375510848, ClinGen allele CA4230933.
Genomic context (GRCh38, chr7:42,026,237, plus strand): 5'-TGCATCGACCTGTCCCTCTCACCTGTGAGGACTCAGAAGGGCCGGAGCTGACCTGGACGG[G>C]GTTCAGAACCGTAGGGATCCCTGGAATAGGCCTCTGTGTTGGAAAAGTTGGGGCAGGGTG-3'
Protein context (NP_000159.3, residues 392-412): PIPGIPTVLN[Pro402Ala]VQVSSGPSES

ClinVar aggregate classification (germline): Uncertain significance (1 of 4 stars; one submission).

Conditions:
Pallister-Hall syndrome (PHS). Also called: HYPOTHALAMIC HAMARTOBLASTOMA, HYPOPITUITARISM, IMPERFORATE ANUS, AND POSTAXIAL POLYDACTYLY; GLI3-Related Pallister-Hall Syndrome. Identifiers: Orphanet 672, MedGen C0265220, MONDO:0007804, OMIM 146510.
Greig cephalopolysyndactyly syndrome (GCPS). Also called: Greig syndrome; GLI3-Related Greig Cephalopolysyndactyly Syndrome; POLYSYNDACTYLY WITH PECULIAR SKULL SHAPE. Identifiers: Orphanet 380, MedGen C0265306, MONDO:0008287, OMIM 175700.

Allele frequency attached by ClinVar (database versions not stated): gnomAD 0.00001; gnomAD exomes 0.00001; TOPMed 0.00001; ESP Exome Variant Server 0.00008; ExAC 0.00001.
gnomAD v4.1: 15 of 1,613,750 alleles (0.00093%); highest among the groups gnomAD compares: African/African-American, 0.0013%; no homozygotes.

Submission:

Labcorp Genetics (formerly Invitae), Labcorp
Classification: Uncertain significance for Pallister-Hall syndrome; Greig cephalopolysyndactyly syndrome. Last evaluated: 2022-03-20. Review status: criteria provided, single submitter. Criteria: Invitae Variant Classification Sherloc (09022015). Collection method: clinical testing. Allele origin: germline.
Comment: In summary, the available evidence is currently insufficient to determine the role of this variant in disease. Therefore, it has been classified as a Variant of Uncertain Significance. Algorithms developed to predict the effect of missense changes on protein structure and function are either unavailable or do not agree on the potential impact of this missense change (SIFT: "Tolerated"; PolyPhen-2: "Possibly Damaging"; Align-GVGD: "Class C0"). This variant has not been reported in the literature in individuals affected with GLI3-related conditions. This variant is present in population databases (rs375510848, gnomAD 0.002%). This sequence change replaces proline, which is neutral and non-polar, with alanine, which is neutral and non-polar, at codon 402 of the GLI3 protein (p.Pro402Ala).